The following is an entry in ClinVar:

ClinVar aggregate classification (germline): Uncertain significance (1 of 4 stars; one submission).

Conditions:
Hereditary sensory and autonomic neuropathy type 6. Also called: HSAN VI; Neuropathy, hereditary sensory and autonomic, type VI. Identifiers: Orphanet 314381, MedGen C3539003, MONDO:0013839, OMIM 614653.
Epidermolysis bullosa simplex 3, localized or generalized intermediate, with BP230 deficiency (EBS3). Also called: Epidermolysis bullosa simplex, autosomal recessive 2; Epidermolysis bullosa simplex due to BP230 deficiency. Identifiers: Orphanet 412181, MedGen C3809470, MONDO:0014180, OMIM 615425.

Submission:

Labcorp Genetics (formerly Invitae), Labcorp
Classification: Uncertain significance for Epidermolysis bullosa simplex 3, localized or generalized intermediate, with BP230 deficiency; Hereditary sensory and autonomic neuropathy type 6. Last evaluated: 2022-08-05. Review status: criteria provided, single submitter. Criteria: Invitae Variant Classification Sherloc (09022015). Collection method: clinical testing. Allele origin: germline.
Comment: This variant is not present in population databases (gnomAD no frequency). This sequence change falls in intron 60 of the DST gene. It does not directly change the encoded amino acid sequence of the DST protein. The DST gene has multiple clinically relevant transcripts. This variant occurs in alternate transcript NM_015548.4, and corresponds to NM_001723.5:c.*114014_*114015del in the primary transcript. This variant has not been reported in the literature in individuals affected with DST-related conditions. In summary, the available evidence is currently insufficient to determine the role of this variant in disease. Therefore, it has been classified as a Variant of Uncertain Significance. Experimental studies and prediction algorithms are not available or were not evaluated, and the effect of this variant on mRNA splicing is currently unknown.

NM_001374736.1(DST):c.19740+17_19740+18del

Gene: DST (dystonin; minus strand). Cytogenetic location: 6p12.1.
Variant type: Deletion.
Coding change: c.19740+17_19740+18del on transcript NM_001374736.1 (MANE Select); bases 17 to 18 of the intron after coding-DNA position 19740, 2 bases deleted (TT; older notation c.19740+17_19740+18delTT).
Molecular consequence: intron variant.
Genome position (GRCh38, 1-based): chr6:56,501,502-56,501,503, AA deleted on the plus strand (TT on the coding strand, the reverse complement: DST is on the minus strand); deleting any 2 consecutive bases within chr6:56,501,502-56,501,505 gives the same sequence; the c. name uses the placement nearest the transcript's 3' end. VCF-style (leftmost placement, unchanged base first): chr6-56501501-GAA-G. GRCh37 (hg19) VCF-style: chr6-56366299-GAA-G.
Other names: c.13383+17_13383+18del (NM_001144769.5); c.19740+17_19740+18del (NM_001374722.1); c.19767+17_19767+18del (NM_001374734.1); c.12969+17_12969+18del (NM_001144770.2); c.12522+17_12522+18del (NM_001374730.1); c.12849+17_12849+18del (NM_001386100.1, NM_183380.4); c.18780+17_18780+18del (NM_001374729.1); c.11871+17_11871+18del (NM_015548.5).
Identifiers: ClinVar variation 2088161 (VCV002088161.4), dbSNP rs2534156194, ClinGen allele CA2578654288.
Genomic context (GRCh38, chr6:56,501,501, plus strand): 5'-TTTTATCTTTAATAATTATTTTACATTAATATCTGAAATTGAAAATTTATAATTTCTTAA[GAA>G]AAGTCTTGGTATTTACCTGTCTGTTGATGATTCTCTCCTCCAGGCTATCCCATATCAATT-3'